The following is an entry in ClinVar:

NM_000214.3(JAG1):c.2962A>G (p.Ile988Val)

Gene: JAG1 (jagged canonical Notch ligand 1; minus strand). Cytogenetic location: 20p12.2.
Variant type: single nucleotide variant.
Coding change: c.2962A>G on transcript NM_000214.3 (MANE Select); coding-DNA position 2962, A replaced by G.
Protein change: p.Ile988Val; replaces isoleucine 988 with valine.
Molecular consequence: missense variant.
Genome position (GRCh38, 1-based): chr20:10,641,199, T>C on the plus strand (A>G on the coding strand, the complement: JAG1 is on the minus strand). VCF-style: chr20-10641199-T-C. GRCh37 (hg19) VCF-style: chr20-10621847-T-C.
Other names: short protein forms I988V.
Identifiers: ClinVar variation 1798182 (VCV001798182.2), dbSNP rs2514508424, ClinGen allele CA408244571.

ClinVar aggregate classification (germline): Uncertain significance (1 of 4 stars; one submission).

Conditions:
Cardiovascular phenotype. Identifiers: MedGen CN230736.

Submission:

Ambry Genetics
Classification: Uncertain significance for Cardiovascular phenotype. Last evaluated: 2021-12-16. Review status: criteria provided, single submitter. Criteria: Ambry Variant Classification Scheme 2023. Collection method: clinical testing. Allele origin: germline.
Comment: The p.I988V variant (also known as c.2962A>G), located in coding exon 24 of the JAG1 gene, results from an A to G substitution at nucleotide position 2962. The isoleucine at codon 988 is replaced by valine, an amino acid with highly similar properties. This amino acid position is conserved. In addition, this alteration is predicted to be tolerated by in silico analysis. Since supporting evidence is limited at this time, the clinical significance of this alteration remains unclear.